The following is an entry in ClinVar:

NM_018965.4(TREM2):c.353C>A (p.Ala118Asp)

Gene: TREM2 (triggering receptor expressed on myeloid cells 2; minus strand). Cytogenetic location: 6p21.1.
Variant type: single nucleotide variant.
Coding change: c.353C>A on transcript NM_018965.4 (MANE Select); coding-DNA position 353, C replaced by A.
Protein change: p.Ala118Asp; replaces alanine 118 with aspartic acid.
Molecular consequence: missense variant.
Genome position (GRCh38, 1-based): chr6:41,161,301, G>T on the plus strand (C>A on the coding strand, the complement: TREM2 is on the minus strand). VCF-style: chr6-41161301-G-T. GRCh37 (hg19) VCF-style: chr6-41129039-G-T.
Other names: c.353C>A, p.Ala118Asp (NM_001271821.2); short protein forms A118D.
Identifiers: ClinVar variation 1514569 (VCV001514569.6), dbSNP rs1765557010, ClinGen allele CA364058717.

ClinVar aggregate classification (germline): Uncertain significance (1 of 4 stars; one submission).

Allele frequency attached by ClinVar (database versions not stated): gnomAD exomes below 0.00001.
gnomAD v4.1: 2 of 1,614,182 alleles (0.00012%); highest among the groups gnomAD compares: Non-Finnish European, 0.00017%; no homozygotes.

Submission:

Labcorp Genetics (formerly Invitae), Labcorp
Classification: Uncertain significance. Last evaluated: 2022-10-24. Review status: criteria provided, single submitter. Criteria: Invitae Variant Classification Sherloc (09022015). Collection method: clinical testing. Allele origin: germline.
Comment: In summary, the available evidence is currently insufficient to determine the role of this variant in disease. Therefore, it has been classified as a Variant of Uncertain Significance. Algorithms developed to predict the effect of missense changes on protein structure and function are either unavailable or do not agree on the potential impact of this missense change (SIFT: "Deleterious"; PolyPhen-2: "Probably Damaging"; Align-GVGD: "Class C15"). ClinVar contains an entry for this variant (Variation ID: 1514569). This variant has not been reported in the literature in individuals affected with TREM2-related conditions. This variant is not present in population databases (gnomAD no frequency). This sequence change replaces alanine, which is neutral and non-polar, with aspartic acid, which is acidic and polar, at codon 118 of the TREM2 protein (p.Ala118Asp).